The following is an entry in ClinVar:

NM_005612.5(REST):c.2233G>C (p.Val745Leu)

Gene: REST (RE1 silencing transcription factor; plus strand). Cytogenetic location: 4q12.
Variant type: single nucleotide variant.
Coding change: c.2233G>C on transcript NM_005612.5 (MANE Select); coding-DNA position 2233, G replaced by C.
Protein change: p.Val745Leu; replaces valine 745 with leucine.
Molecular consequence: missense variant.
Genome position (GRCh38, 1-based): chr4:56,931,091, G>C. VCF-style: chr4-56931091-G-C. GRCh37 (hg19) VCF-style: chr4-57797257-G-C.
Other names: c.2233G>C, p.Val745Leu (NM_001193508.2, NM_001363453.3); short protein forms V745L.
Identifiers: ClinVar variation 2172409 (VCV002172409.4), dbSNP rs775811215, ClinGen allele CA97636911.

ClinVar aggregate classification (germline): Uncertain significance (1 of 4 stars; one submission).

Allele frequency attached by ClinVar (database versions not stated): gnomAD exomes 0.00002.
gnomAD v4.1: 28 of 1,385,102 alleles (0.002%); highest among the groups gnomAD compares: Non-Finnish European, 0.0028%; no homozygotes.

Submission:

Labcorp Genetics (formerly Invitae), Labcorp
Classification: Uncertain significance. Last evaluated: 2022-04-05. Review status: criteria provided, single submitter. Criteria: Invitae Variant Classification Sherloc (09022015). Collection method: clinical testing. Allele origin: germline.
Comment: This variant has not been reported in the literature in individuals affected with REST-related conditions. Algorithms developed to predict the effect of missense changes on protein structure and function (SIFT, PolyPhen-2, Align-GVGD) all suggest that this variant is likely to be tolerated. In summary, the available evidence is currently insufficient to determine the role of this variant in disease. Therefore, it has been classified as a Variant of Uncertain Significance. This variant is present in population databases (rs775811215, gnomAD 0.0009%). This sequence change replaces valine, which is neutral and non-polar, with leucine, which is neutral and non-polar, at codon 745 of the REST protein (p.Val745Leu).